The following is an entry in ClinVar:

ClinVar aggregate classification (germline): Uncertain significance (1 of 4 stars; one submission).

Submission:

Ambry Genetics
Classification: Uncertain significance. Last evaluated: 2022-10-03. Review status: criteria provided, single submitter. Criteria: Ambry Variant Classification Scheme 2023. Collection method: clinical testing. Allele origin: germline.
Comment: The p.G447V variant (also known as c.1340G>T), located in coding exon 1 of the MLH3 gene, results from a G to T substitution at nucleotide position 1340. The glycine at codon 447 is replaced by valine, an amino acid with dissimilar properties. This amino acid position is conserved. In addition, this alteration is predicted to be tolerated by in silico analysis. Since supporting evidence is limited at this time, the clinical significance of this alteration remains unclear.

NM_001040108.2(MLH3):c.1340G>T (p.Gly447Val)

Gene: MLH3 (mutL homolog 3; minus strand). Cytogenetic location: 14q24.3.
Variant type: single nucleotide variant.
Coding change: c.1340G>T on transcript NM_001040108.2 (MANE Select); coding-DNA position 1340, G replaced by T.
Protein change: p.Gly447Val; replaces glycine 447 with valine.
Molecular consequence: missense variant.
Genome position (GRCh38, 1-based): chr14:75,048,316, C>A on the plus strand (G>T on the coding strand, the complement: MLH3 is on the minus strand). VCF-style: chr14-75048316-C-A. GRCh37 (hg19) VCF-style: chr14-75515019-C-A.
Other names: c.1340G>T, p.Gly447Val (NM_014381.3); short protein forms G447V.
Identifiers: ClinVar variation 1770359 (VCV001770359.2), dbSNP rs2503298058, ClinGen allele CA390446349.